The following is an entry in ClinVar:

NM_001854.4(COL11A1):c.1021G>C (p.Glu341Gln)

Gene: COL11A1 (collagen type XI alpha 1 chain; minus strand). Cytogenetic location: 1p21.1.
Variant type: single nucleotide variant.
Coding change: c.1021G>C on transcript NM_001854.4 (MANE Select); coding-DNA position 1021, G replaced by C.
Protein change: p.Glu341Gln; replaces glutamic acid 341 with glutamine.
Molecular consequence: missense variant. On other transcripts: non-coding transcript variant (1), intron variant (1).
Genome position (GRCh38, 1-based): chr1:103,022,966, C>G on the plus strand (G>C on the coding strand, the complement: COL11A1 is on the minus strand). VCF-style: chr1-103022966-C-G. GRCh37 (hg19) VCF-style: chr1-103488522-C-G.
Other names: c.904G>C, p.Glu302Gln (NM_001190709.2); c.1057G>C, p.Glu353Gln (NM_080629.3); c.898-1197G>C (NM_080630.4); short protein forms E353Q, E341Q, E302Q.
Identifiers: ClinVar variation 198777 (VCV000198777.68), dbSNP rs144884147, ClinGen allele CA247598.

ClinVar aggregate classification (germline): Conflicting classifications of pathogenicity. Review status: criteria provided, conflicting classifications (1 of 4 stars). 14 submissions from 13 submitters: Uncertain significance (4); Benign (1); Likely benign (3). 6 of the submissions do not count toward it. Last evaluated 2026-09-01.

Conditions:
COL11A1-related disorder. Also called: COL11A1-related disorders; COL11A1-related condition.
Fibrochondrogenesis 1 (FBCG1). Identifiers: Orphanet 2021, MedGen C3278138, MONDO:0009226, OMIM 228520.
Stickler syndrome type 2 (STL2). Also called: STICKLER SYNDROME, TYPE II; STICKLER SYNDROME, BEADED VITREOUS TYPE; STICKLER SYNDROME, VITREOUS TYPE 2; COL11A1-Related Stickler Syndrome. Identifiers: Orphanet 828, Orphanet 90654, MedGen C1858084, MONDO:0011493, OMIM 604841.

Allele frequency attached by ClinVar (database versions not stated): ExAC 0.00071; gnomAD 0.00080 and 0.00098; ESP Exome Variant Server 0.00092; TOPMed 0.00105.
gnomAD v4.1: 2,208 of 1,613,044 alleles (0.14%); highest among the groups gnomAD compares: Non-Finnish European, 0.17%; 2 homozygotes.

Submissions (14):

CeGaT Center for Human Genetics Tuebingen
Classification: Likely benign. Last evaluated: 2026-09-01. Review status: criteria provided, single submitter. Criteria: CeGaT Center For Human Genetics Tuebingen Variant Classification Criteria Version 2. Collection method: clinical testing. Allele origin: germline. Affected: yes. Observed: 7 variant alleles.
Comment: COL11A1: BS1

Labcorp Genetics (formerly Invitae), Labcorp
Classification: Benign. Last evaluated: 2026-01-27. Review status: criteria provided, single submitter. Criteria: Invitae Variant Classification Sherloc (09022015). Collection method: clinical testing. Allele origin: germline.

Blueprint Genetics
Classification: Likely benign. Last evaluated: 2024-11-06. Review status: criteria provided, single submitter. Criteria: ACMG Guidelines, 2015. Collection method: clinical testing. Allele origin: germline.

Revvity Omics, Revvity
Classification: Uncertain significance. Last evaluated: 2024-09-30. Review status: criteria provided, single submitter. Criteria: ACMG Guidelines, 2015. Collection method: clinical testing. Allele origin: germline.

GeneDx
Classification: Likely benign. Last evaluated: 2021-01-13. Review status: criteria provided, single submitter. Criteria: GeneDx Variant Classification Process June 2021. Collection method: clinical testing. Allele origin: germline. Affected: yes.
Comment: This variant is associated with the following publications: (PMID: 15922184, 24036952)

Eurofins Ntd Llc (ga)
Classification: Uncertain significance. Last evaluated: 2018-06-29. Review status: criteria provided, single submitter. Criteria: EGL ClinVar v180209 classification definitions. Collection method: clinical testing. Allele origin: germline. Observed: 4 variant alleles, 4 heterozygotes.

Illumina Laboratory Services, Illumina
Classification: Uncertain significance for Stickler syndrome type 2. Last evaluated: 2018-01-13. Review status: criteria provided, single submitter. Criteria: ICSL Variant Classification Criteria 13 December 2019. Collection method: clinical testing. Allele origin: germline.

Illumina Laboratory Services, Illumina
Classification: Uncertain significance for Fibrochondrogenesis 1. Last evaluated: 2018-01-13. Review status: criteria provided, single submitter. Criteria: ICSL Variant Classification Criteria 13 December 2019. Collection method: clinical testing. Allele origin: germline.

PreventionGenetics, part of Exact Sciences
Classification: Likely benign for COL11A1-related condition. Last evaluated: 2022-11-12. Review status: no assertion criteria provided. Collection method: clinical testing. Allele origin: germline. Not counted in ClinVar's aggregate classification.
Comment: This variant is classified as likely benign based on ACMG/AMP sequence variant interpretation guidelines (Richards et al. 2015 PMID: 25741868, with internal and published modifications).

Clinical Genetics DNA and cytogenetics Diagnostics Lab, Erasmus MC, Erasmus Medical Center
Classification: Likely benign. Review status: no assertion criteria provided. Collection method: clinical testing. Allele origin: germline. Affected: yes. Study: VKGL Data-share Consensus. Not counted in ClinVar's aggregate classification.

Clinical Genetics, Academic Medical Center
Classification: Likely benign. Review status: no assertion criteria provided. Collection method: clinical testing. Allele origin: germline. Affected: yes. Study: VKGL Data-share Consensus. Not counted in ClinVar's aggregate classification.

Genome Diagnostics Laboratory, Amsterdam University Medical Center
Classification: Likely benign. Review status: no assertion criteria provided. Collection method: clinical testing. Allele origin: germline. Affected: yes. Study: VKGL Data-share Consensus. Not counted in ClinVar's aggregate classification.

Joint Genome Diagnostic Labs from Nijmegen and Maastricht, Radboudumc and MUMC+
Classification: Benign. Review status: no assertion criteria provided. Collection method: clinical testing. Allele origin: germline. Affected: yes. Study: VKGL Data-share Consensus. Not counted in ClinVar's aggregate classification.

Laboratory of Diagnostic Genome Analysis, Leiden University Medical Center (LUMC)
Classification: Likely benign. Review status: no assertion criteria provided. Collection method: clinical testing. Allele origin: germline. Affected: yes. Study: VKGL Data-share Consensus. Not counted in ClinVar's aggregate classification.